The following is an entry in ClinVar:

ClinVar aggregate classification (germline): Uncertain significance (1 of 4 stars; one submission).

Conditions:
Autosomal recessive limb-girdle muscular dystrophy type 2O. Also called: Limb-Girdle Muscular Dystrophy Type 3C; MUSCULAR DYSTROPHY-DYSTROGLYCANOPATHY (LIMB-GIRDLE), TYPE C, 3; MUSCULAR DYSTROPHY-DYSTROGLYCANOPATHY, LIMB-GIRDLE, POMGNT1-RELATED. Identifiers: Orphanet 206564, MedGen C3150417, MONDO:0013161, OMIM 613157.
Muscular dystrophy-dystroglycanopathy (congenital with impaired intellectual development), type B, 3. Also called: MUSCULAR DYSTROPHY, CONGENITAL, POMGNT1-RELATED; Muscular dystrophy-dystroglycanopathy (congenital with intellectual disability), type B3. Identifiers: MedGen C3150412, MONDO:0013155, OMIM 613151.

Allele frequency attached by ClinVar (database versions not stated): gnomAD 0.00001; ExAC 0.00002; gnomAD exomes 0.00001 and below 0.00001; TOPMed 0.00002.
gnomAD v4.1: 3 of 1,614,108 alleles (0.00019%); highest among the groups gnomAD compares: African/African-American, 0.0027%; no homozygotes.

Submission:

Labcorp Genetics (formerly Invitae), Labcorp
Classification: Uncertain significance for Autosomal recessive limb-girdle muscular dystrophy type 2O; Muscular dystrophy-dystroglycanopathy (congenital with impaired intellectual development), type B, 3. Last evaluated: 2022-08-16. Review status: criteria provided, single submitter. Criteria: Invitae Variant Classification Sherloc (09022015). Collection method: clinical testing. Allele origin: germline.
Comment: This sequence change replaces leucine, which is neutral and non-polar, with valine, which is neutral and non-polar, at codon 231 of the POMGNT1 protein (p.Leu231Val). This variant is present in population databases (rs771429702, gnomAD 0.007%). This variant has not been reported in the literature in individuals affected with POMGNT1-related conditions. ClinVar contains an entry for this variant (Variation ID: 1366793). Advanced modeling of protein sequence and biophysical properties (such as structural, functional, and spatial information, amino acid conservation, physicochemical variation, residue mobility, and thermodynamic stability) performed at Invitae indicates that this missense variant is not expected to disrupt POMGNT1 protein function. In summary, the available evidence is currently insufficient to determine the role of this variant in disease. Therefore, it has been classified as a Variant of Uncertain Significance.

NM_017739.4(POMGNT1):c.691C>G (p.Leu231Val)

Genes: POMGNT1 (protein O-linked mannose N-acetylglucosaminyltransferase 1 (beta 1,2-); minus strand), TSPAN1 (tetraspanin 1; plus strand). Cytogenetic location: 1p34.1.
Variant type: single nucleotide variant.
Coding change: c.691C>G on transcript NM_017739.4 (MANE Select); coding-DNA position 691, C replaced by G.
Protein change: p.Leu231Val; replaces leucine 231 with valine.
Molecular consequence: missense variant.
Genome position (GRCh38, 1-based): chr1:46,194,613, G>C on the plus strand (C>G on the coding strand, the complement: POMGNT1 is on the minus strand). VCF-style: chr1-46194613-G-C. GRCh37 (hg19) VCF-style: chr1-46660285-G-C.
Other names: c.691C>G, p.Leu231Val (NM_001243766.2, NM_001410783.1); c.625C>G, p.Leu209Val (NM_001290129.3); c.262C>G, p.Leu88Val (NM_001290130.2); short protein forms L209V, L231V, L88V.
Identifiers: ClinVar variation 1366793 (VCV001366793.3), dbSNP rs771429702, ClinGen allele CA833642.